The following is an entry in ClinVar:

ClinVar aggregate classification (germline): Likely pathogenic. Review status: criteria provided, multiple submitters, no conflicts (2 of 4 stars). 3 submissions from 3 submitters: Likely pathogenic (3). Last evaluated 2025-09-15.

Conditions:
Meckel syndrome, type 4 (MKS4). Also called: MECKEL-GRUBER SYNDROME, TYPE 4. Identifiers: Orphanet 564, MedGen C1970161, MONDO:0012626, OMIM 611134.
Joubert syndrome 5 (JBTS5). Identifiers: Orphanet 2318, MedGen C1857780, MONDO:0012432, OMIM 610188.
Bardet-Biedl syndrome 14 (BBS14). Identifiers: Orphanet 110, MedGen C2673874, MONDO:0014442, OMIM 615991.
Leber congenital amaurosis 10 (LCA10). Identifiers: Orphanet 65, MedGen C1857821, MONDO:0012723, OMIM 611755.
Senior-Loken syndrome 6 (SLSN6). Identifiers: Orphanet 3156, MedGen C1857779, MONDO:0012433, OMIM 610189.
Leber congenital amaurosis (LCA). Also called: Leber's amaurosis. Identifiers: Orphanet 65, MedGen C0339527, MeSH D057130, MONDO:0018998.

gnomAD v4.1: 1 of 1,572,076 alleles (0.000064%); highest among the groups gnomAD compares: African/African-American, 0.0014%; no homozygotes.

Submissions (3):

Natera, Inc.
Classification: Likely pathogenic for Leber congenital amaurosis. Last evaluated: 2025-09-15. Review status: criteria provided, single submitter. Criteria: Natera Variant Classification Schema (03/2026). Collection method: clinical testing. Allele origin: germline.
Comment: The c.5364+1G>A variant in CEP290 is a canonical splice donor site variant predicted to affect pre-mRNA splicing, which may result in an abnormal transcript and altered protein product. This variant is expected to result in nonsense mediated decay, truncation, or a dysfunctional protein product. This variant is rare in the general population with a frequency below the threshold expected for the associated phenotype(s). Given the available evidence, this variant is classified as Likely Pathogenic.

Fulgent Genetics
Classification: Likely pathogenic for Joubert syndrome 5; Senior-Loken syndrome 6; Meckel syndrome, type 4; Leber congenital amaurosis 10; Bardet-Biedl syndrome 14. Last evaluated: 2024-04-19. Review status: criteria provided, single submitter. Criteria: ACMG Guidelines, 2015. Collection method: clinical testing. Allele origin: germline.

Breakthrough Genomics
Classification: Likely pathogenic for Leber congenital amaurosis 10. Last evaluated: 2021-08-03. Review status: criteria provided, single submitter. Criteria: ACMG Guidelines, 2015. Collection method: clinical testing. Allele origin: germline. Affected: yes.
Comment: This variant lies in the essential splice donor site, in intron 39 of the CEP290 gene. In silico splice prediction tools (ASSP and NNSPLICE) suggest that this variant might affect splicing due to the loss of constitutive splice site and introduction of a new splice site, which in turn might lead to a frameshift and consequent premature termination of the protein; this will likely result in loss-of-function. The variant seems to be a novel variant, as it has not been previously reported in population or public databases or in the literature. However, splice variants, lying downstream of the variant, have been reported as pathogenic/likely pathogenic in the ClinVar database in the context of Leber congenital amaurosis. Loss-of-function variants in the CEP290 gene are known as pathogenic [PMID: 16909394, 17345604, 20690115, 25377065, 28559085].

NM_025114.4(CEP290):c.5364+1G>A

Gene: CEP290 (centrosomal protein 290; minus strand). Cytogenetic location: 12q21.32.
Variant type: single nucleotide variant.
Coding change: c.5364+1G>A on transcript NM_025114.4 (MANE Select); the canonical splice donor site of the intron after coding-DNA position 5364, G replaced by A.
Molecular consequence: splice donor variant.
Genome position (GRCh38, 1-based): chr12:88,079,091, C>T on the plus strand (G>A on the coding strand, the complement: CEP290 is on the minus strand). VCF-style: chr12-88079091-C-T. GRCh37 (hg19) VCF-style: chr12-88472868-C-T.
Other names: c.5364+1G>A (NM_025114.3).
Identifiers: ClinVar variation 3255568 (VCV003255568.4).